The following is an entry in ClinVar:

NM_003839.4(TNFRSF11A):c.1213A>C (p.Thr405Pro)

Gene: TNFRSF11A (TNF receptor superfamily member 11a; plus strand). Cytogenetic location: 18q21.33.
Variant type: single nucleotide variant.
Coding change: c.1213A>C on transcript NM_003839.4 (MANE Select); coding-DNA position 1213, A replaced by C.
Protein change: p.Thr405Pro; replaces threonine 405 with proline.
Molecular consequence: missense variant. On other transcripts: intron variant (3).
Genome position (GRCh38, 1-based): chr18:62,369,130, A>C. VCF-style: chr18-62369130-A-C. GRCh37 (hg19) VCF-style: chr18-60036363-A-C.
Other names: c.783+2370A>C (NM_001270949.2); c.730+7337A>C (NM_001270950.2); c.616+9081A>C (NM_001270951.2); c.1171A>C, p.Thr391Pro (NM_001278268.2); short protein forms T391P, T405P.
Identifiers: ClinVar variation 2994620 (VCV002994620.3), dbSNP rs1454584049, ClinGen allele CA402617490.

ClinVar aggregate classification (germline): Uncertain significance (1 of 4 stars; one submission).

Allele frequency attached by ClinVar (database versions not stated): gnomAD exomes below 0.00001.
gnomAD v4.1: 3 of 1,614,126 alleles (0.00019%); highest among the groups gnomAD compares: East Asian, 0.0045%; no homozygotes.

Submission:

Labcorp Genetics (formerly Invitae), Labcorp
Classification: Uncertain significance. Last evaluated: 2023-08-29. Review status: criteria provided, single submitter. Criteria: Invitae Variant Classification Sherloc (09022015). Collection method: clinical testing. Allele origin: germline.
Comment: This variant is present in population databases (no rsID available, gnomAD 0.006%). This sequence change replaces threonine, which is neutral and polar, with proline, which is neutral and non-polar, at codon 405 of the TNFRSF11A protein (p.Thr405Pro). This variant has not been reported in the literature in individuals affected with TNFRSF11A-related conditions. In summary, the available evidence is currently insufficient to determine the role of this variant in disease. Therefore, it has been classified as a Variant of Uncertain Significance. Algorithms developed to predict the effect of missense changes on protein structure and function output the following: SIFT: "Not Available"; PolyPhen-2: "Benign"; Align-GVGD: "Not Available". The proline amino acid residue is found in multiple mammalian species, which suggests that this missense change does not adversely affect protein function.